The following is an entry in ClinVar:

ClinVar aggregate classification (germline): Likely benign. Review status: criteria provided, multiple submitters, no conflicts (2 of 4 stars). 2 submissions from 2 submitters: Likely benign (2). Last evaluated 2026-02-01.

Conditions:
Menkes kinky-hair syndrome (MNK). Also called: Classic Menkes Disease; Copper transport disease; Menkes Disease. Identifiers: Orphanet 565, MedGen C0022716, MONDO:0010651, OMIM 309400.
Cutis laxa, X-linked (OHS). Also called: EDS IX; Occipital horn syndrome. Identifiers: Orphanet 198, MedGen C0268353, MONDO:0010572, OMIM 304150.
X-linked distal spinal muscular atrophy type 3. Also called: NEURONOPATHY, DISTAL HEREDITARY MOTOR, X-LINKED; NEUROPATHY, DISTAL HEREDITARY MOTOR, X-LINKED; ATP7A-Related Distal Motor Neuropathy; SPINAL MUSCULAR ATROPHY, DISTAL, X-LINKED RECESSIVE. Identifiers: Orphanet 139557, MedGen C1845359, MONDO:0010338, OMIM 300489.

Allele frequency attached by ClinVar (database versions not stated): TOPMed 0.00002.
gnomAD v4.1: 20 of 1,207,115 alleles (0.0017%); highest among the groups gnomAD compares: East Asian, 0.018%; no homozygotes.

Submissions (2):

Labcorp Genetics (formerly Invitae), Labcorp
Classification: Likely benign for X-linked distal spinal muscular atrophy type 3; Cutis laxa, X-linked; Menkes kinky-hair syndrome. Last evaluated: 2026-02-01. Review status: criteria provided, single submitter. Criteria: Invitae Variant Classification Sherloc (09022015). Collection method: clinical testing. Allele origin: germline.

GeneDx
Classification: Likely benign. Last evaluated: 2017-09-01. Review status: criteria provided, single submitter. Criteria: GeneDx Variant Classification (06012015). Collection method: clinical testing. Allele origin: germline. Affected: yes.
Comment: This variant is considered likely benign or benign based on one or more of the following criteria: it is a conservative change, it occurs at a poorly conserved position in the protein, it is predicted to be benign by multiple in silico algorithms, and/or has population frequency not consistent with disease.

NM_000052.7(ATP7A):c.1788C>T (p.Ser596=)

Gene: ATP7A (ATPase copper transporting alpha; plus strand). Cytogenetic location: Xq21.1.
Variant type: single nucleotide variant.
Coding change: c.1788C>T on transcript NM_000052.7 (MANE Select); coding-DNA position 1788, C replaced by T.
Protein change: p.Ser596=; no amino-acid change (serine 596 retained).
Molecular consequence: synonymous variant.
Genome position (GRCh38, 1-based): chrX:78,009,182, C>T. VCF-style: chrX-78009182-C-T. GRCh37 (hg19) VCF-style: chrX-77264679-C-T.
Other names: c.1788C>T, p.Ser596= (NM_001282224.2).
Identifiers: ClinVar variation 511765 (VCV000511765.12), dbSNP rs368747913, ClinGen allele CA10459106.